The following is an entry in ClinVar:

ClinVar aggregate classification (germline): Uncertain significance (1 of 4 stars; one submission).

Conditions:
Aicardi-Goutieres syndrome 7 (AGS7). Identifiers: Orphanet 51, MedGen C3888244, MONDO:0014367, OMIM 615846.
Singleton-Merten syndrome 1 (SGMRT1). Also called: Widened medullary cavities of bone, aortic calcification, abnormal dentition, and muscular weakness; Syndrome of widened medullary cavities of the metacarpals and phalanges, aortic calcification and abnormal dentition. Identifiers: Orphanet 85191, MedGen C4225427, MONDO:0024535, OMIM 182250.

Submission:

Labcorp Genetics (formerly Invitae), Labcorp
Classification: Uncertain significance for Aicardi-Goutieres syndrome 7; Singleton-Merten syndrome 1. Last evaluated: 2022-10-09. Review status: criteria provided, single submitter. Criteria: Invitae Variant Classification Sherloc (09022015). Collection method: clinical testing. Allele origin: germline.
Comment: This variant has not been reported in the literature in individuals affected with IFIH1-related conditions. This variant is not present in population databases (gnomAD no frequency). This sequence change replaces leucine, which is neutral and non-polar, with phenylalanine, which is neutral and non-polar, at codon 115 of the IFIH1 protein (p.Leu115Phe). Algorithms developed to predict the effect of missense changes on protein structure and function output the following: SIFT: "Tolerated"; PolyPhen-2: "Benign"; Align-GVGD: "Class C0". The phenylalanine amino acid residue is found in multiple mammalian species, which suggests that this missense change does not adversely affect protein function. In summary, the available evidence is currently insufficient to determine the role of this variant in disease. Therefore, it has been classified as a Variant of Uncertain Significance.

NM_022168.4(IFIH1):c.343C>T (p.Leu115Phe)

Gene: IFIH1 (interferon induced with helicase C domain 1; minus strand). Cytogenetic location: 2q24.2.
Variant type: single nucleotide variant.
Coding change: c.343C>T on transcript NM_022168.4 (MANE Select); coding-DNA position 343, C replaced by T.
Protein change: p.Leu115Phe; replaces leucine 115 with phenylalanine.
Molecular consequence: missense variant.
Genome position (GRCh38, 1-based): chr2:162,317,965, G>A on the plus strand (C>T on the coding strand, the complement: IFIH1 is on the minus strand). VCF-style: chr2-162317965-G-A. GRCh37 (hg19) VCF-style: chr2-163174475-G-A.
Other names: short protein forms L115F.
Identifiers: ClinVar variation 1721355 (VCV001721355.5), dbSNP rs2469005576, ClinGen allele CA349013567.